The following is an entry in ClinVar:

NM_004415.4(DSP):c.6361G>A (p.Gly2121Arg)

Gene: DSP (desmoplakin; plus strand). Cytogenetic location: 6p24.3.
Variant type: single nucleotide variant.
Coding change: c.6361G>A on transcript NM_004415.4 (MANE Select); coding-DNA position 6361, G replaced by A.
Protein change: p.Gly2121Arg; replaces glycine 2121 with arginine.
Molecular consequence: missense variant.
Genome position (GRCh38, 1-based): chr6:7,583,623, G>A. VCF-style: chr6-7583623-G-A. GRCh37 (hg19) VCF-style: chr6-7583856-G-A.
Other names: c.4564G>A, p.Gly1522Arg (NM_001008844.3); c.5032G>A, p.Gly1678Arg (NM_001319034.2); c.6361G>A (NM_004415.2); short protein forms G1678R, G1522R, G2121R.
Identifiers: ClinVar variation 1483108 (VCV001483108.11), dbSNP rs368227724, ClinGen allele CA047420.

ClinVar aggregate classification (germline): Uncertain significance. Review status: criteria provided, multiple submitters, no conflicts (2 of 4 stars). 4 submissions from 4 submitters: Uncertain significance (4). Last evaluated 2025-10-07.

Conditions:
Arrhythmogenic cardiomyopathy with wooly hair and keratoderma. Also called: Arrhythmogenic cardiomyopathy with woolly hair and keratoderma; PALMOPLANTAR KERATODERMA WITH LEFT VENTRICULAR CARDIOMYOPATHY AND WOOLLY HAIR; Dilated cardiomyopathy with woolly hair and keratoderma; Carvajal syndrome. Identifiers: Orphanet 65282, MedGen C1854063, MONDO:0011581, OMIM 605676.
Arrhythmogenic right ventricular dysplasia 8 (ARVD8). Also called: Arrhythmogenic Right Ventricular Dysplasia/Cardiomyopathy 8; ARRHYTHMOGENIC RIGHT VENTRICULAR DYSPLASIA, FAMILIAL, 8; ARRHYTHMOGENIC RIGHT VENTRICULAR CARDIOMYOPATHY 8. Identifiers: MedGen C1843896, MONDO:0011831, OMIM 607450.
Cardiomyopathy (CMYO). Also called: Cardiomyopathies. Identifiers: Orphanet 167848, MedGen C0878544, MONDO:0004994, HP:0001638. Inheritance: Various modes of inheritance.

Allele frequency attached by ClinVar (database versions not stated): gnomAD exomes below 0.00001; TOPMed below 0.00001; ExAC 0.00001; ESP Exome Variant Server 0.00008.

Submissions (4):

Labcorp Genetics (formerly Invitae), Labcorp
Classification: Uncertain significance for Arrhythmogenic cardiomyopathy with wooly hair and keratoderma; Arrhythmogenic right ventricular dysplasia 8. Last evaluated: 2025-10-07. Review status: criteria provided, single submitter. Criteria: Invitae Variant Classification Sherloc (09022015). Collection method: clinical testing. Allele origin: germline.
Comment: This sequence change replaces glycine, which is neutral and non-polar, with arginine, which is basic and polar, at codon 2121 of the DSP protein (p.Gly2121Arg). This variant is present in population databases (rs368227724, gnomAD 0.0009%). This missense change has been observed in individual(s) with arrhythmogenic cardiomyopathy (PMID: 32268277). ClinVar contains an entry for this variant (Variation ID: 1483108). An algorithm developed to predict the effect of missense changes on protein structure and function (PolyPhen-2) suggests that this variant is likely to be disruptive. In summary, the available evidence is currently insufficient to determine the role of this variant in disease. Therefore, it has been classified as a Variant of Uncertain Significance.

Color Diagnostics, LLC DBA Color Health
Classification: Uncertain significance for Cardiomyopathy. Last evaluated: 2025-06-24. Review status: criteria provided, single submitter. Criteria: ACMG Guidelines, 2015. Collection method: clinical testing. Allele origin: germline.
Comment: This missense variant replaces glycine with arginine at codon 2121 of the DSP protein. Computational prediction is inconclusive regarding the impact of this variant on protein structure and function. To our knowledge, functional studies have not been reported for this variant. This variant has been reported in an individual affected with arrhythmogenic cardiomyopathy (PMID: 32268277). This variant has been identified in 1/251360 chromosomes in the general population by the Genome Aggregation Database (gnomAD). The available evidence is insufficient to determine the role of this variant in disease conclusively. Therefore, this variant is classified as a Variant of Uncertain Significance.

GeneDx
Classification: Uncertain significance. Last evaluated: 2024-07-25. Review status: criteria provided, single submitter. Criteria: GeneDx Variant Classification Process June 2021. Collection method: clinical testing. Allele origin: germline. Affected: yes.
Comment: Identified in a case of Sudden Unexpected Infant Death (SUID) in published literature (PMID: 38895864); Not observed at significant frequency in large population cohorts (gnomAD); In silico analysis supports that this missense variant has a deleterious effect on protein structure/function; This variant is associated with the following publications: (PMID: 32268277, 38895864)

All of Us Research Program, National Institutes of Health
Classification: Uncertain significance for Arrhythmogenic cardiomyopathy with wooly hair and keratoderma. Last evaluated: 2023-06-26. Review status: criteria provided, single submitter. Criteria: ACMG Guidelines, 2015. Collection method: clinical testing. Allele origin: germline. Inheritance: Autosomal dominant inheritance. Observed: 1 variant allele, 1 heterozygote.
Comment: This missense variant replaces glycine with arginine at codon 2121 of the DSP protein. Computational prediction is inconclusive regarding the impact of this variant on protein structure and function (internally defined REVEL score threshold 0.5 < inconclusive < 0.7, PMID: 27666373). To our knowledge, functional studies have not been reported for this variant. This variant has been reported in an individual affected with arrhythmogenic cardiomyopathy (PMID: 32268277). This variant has been identified in 1/251360 chromosomes in the general population by the Genome Aggregation Database (gnomAD). The available evidence is insufficient to determine the role of this variant in disease conclusively. Therefore, this variant is classified as a Variant of Uncertain Significance.

This study involves interpretation of variants in research participants for the purpose of population health screening. Participant phenotype was not available at the time of variant classification. Additional details can be found in publication PMID: 35346344, PMCID: PMC8962531

Literature cited by the submitters: PubMed 32268277 (cited by 3 submitters).